The following is an entry in ClinVar:

ClinVar aggregate classification (germline): Benign (0 of 4 stars; one submission).

Conditions:
MOG-related disorder. Also called: MOG-related condition.

Allele frequency attached by ClinVar (database versions not stated): ESP Exome Variant Server 0.93626; gnomAD 0.94786; TOPMed 0.95073; 1000 Genomes Project 0.97324; 1000 Genomes Project 30x 0.97392.
gnomAD v4.1: 1,489,985 of 1,611,296 alleles (92%); highest among the groups gnomAD compares: East Asian, 100%; 689,855 homozygotes.

Submission:

PreventionGenetics, part of Exact Sciences
Classification: Benign for MOG-related condition. Last evaluated: 2019-10-17. Review status: no assertion criteria provided. Collection method: clinical testing. Allele origin: germline.
Comment: This variant is classified as benign based on ACMG/AMP sequence variant interpretation guidelines (Richards et al. 2015 PMID: 25741868, with internal and published modifications).

NM_206809.4(MOG):c.520A>G (p.Ile174Val)

Gene: MOG (myelin oligodendrocyte glycoprotein; plus strand). Cytogenetic location: 6p22.1.
Variant type: single nucleotide variant.
Coding change: c.520A>G on transcript NM_206809.4 (MANE Select); coding-DNA position 520, A replaced by G.
Protein change: p.Ile174Val; replaces isoleucine 174 with valine.
Molecular consequence: missense variant.
Genome position (GRCh38, 1-based): chr6:29,666,235, A>G. VCF-style: chr6-29666235-A-G. GRCh37 (hg19) VCF-style: chr6-29634012-A-G.
Other names: c.520A>G, p.Ile174Val (NM_001008228.3, NM_001008229.3, NM_001363610.2 and 4 more transcripts); c.172A>G, p.Ile58Val (NM_001170417.1, NM_001170418.2, NM_206814.6); short protein forms I174V, I58V.
Identifiers: ClinVar variation 3060512 (VCV003060512.2), dbSNP rs3130253, ClinGen allele CA3690487.
Genomic context (GRCh38, chr6:29,666,235, plus strand): 5'-GGAGTGCTGGTTCTCCTCGCGGTGCTGCCTGTGCTCCTCCTGCAGATCACTGTTGGCCTC[A>G]TCTTCCTCTGCCTGCAGTACAGACTGAGAGGTACAGGGCAGAGGGTGGGTGGATCAGGAT-3'
Protein context (NP_996532.2, residues 164-184): VLLLQITVGL[Ile174Val]FLCLQYRLRG